The following is an entry in ClinVar:

ClinVar aggregate classification (germline): Uncertain significance (1 of 4 stars; one submission).

Submission:

Greenwood Genetic Center Diagnostic Laboratories, Greenwood Genetic Center
Classification: Uncertain significance. Last evaluated: 2024-12-04. Review status: criteria provided, single submitter. Criteria: ACMG Guidelines, 2015. Collection method: clinical testing. Allele origin: germline. Affected: yes.
Comment: PM2

NM_001128.6(AP1G1):c.643-854T>C

Gene: AP1G1 (adaptor related protein complex 1 subunit gamma 1; minus strand). Cytogenetic location: 16q22.2.
Variant type: single nucleotide variant.
Coding change: c.643-854T>C on transcript NM_001128.6 (MANE Select); 854 bases into the intron before coding-DNA position 643, T replaced by C.
Molecular consequence: intron variant.
Genome position (GRCh38, 1-based): chr16:71,766,438, A>G on the plus strand (T>C on the coding strand, the complement: AP1G1 is on the minus strand). VCF-style: chr16-71766438-A-G. GRCh37 (hg19) VCF-style: chr16-71800341-A-G.
Other names: c.652-854T>C (NM_001030007.2).
Identifiers: ClinVar variation 3765805 (VCV003765805.1).